The following is an entry in ClinVar:

ClinVar aggregate classification (germline): Conflicting classifications of pathogenicity. Review status: criteria provided, conflicting classifications (1 of 4 stars). 4 submissions from 4 submitters: Uncertain significance (2); Benign (1); Likely benign (1). Last evaluated 2025-12-23.

Conditions:
Tuberous sclerosis 2 (TSC2). Identifiers: Orphanet 805, MedGen C1860707, MONDO:0013199, OMIM 613254.
Lymphangiomyomatosis (LAM). Also called: Lymphangioleiomyomatosis; Lymphangioleiomyomatosis, somatic. Identifiers: Orphanet 538, MedGen C0751674, MONDO:0011705, OMIM 606690.
Isolated focal cortical dysplasia type II (FCORD2). Also called: CORTICAL DYSPLASIA OF TAYLOR; Focal cortical dysplasia type II. Identifiers: Orphanet 268994, MedGen C1846385, MONDO:0011818, OMIM 607341, HP:0032051.
Hereditary cancer-predisposing syndrome. Also called: Hereditary Cancer Syndrome; Tumor predisposition; Neoplastic Syndromes, Hereditary; Hereditary neoplastic syndrome. Identifiers: Orphanet 140162, MedGen C0027672, MeSH D009386, MONDO:0015356.

Allele frequency attached by ClinVar (database versions not stated): TOPMed 0.00002.
gnomAD v4.1: 3 of 1,613,298 alleles (0.00019%); highest among the groups gnomAD compares: African/African-American, 0.004%; no homozygotes.

Submissions (4):

Ambry Genetics
Classification: Likely benign for Hereditary cancer-predisposing syndrome. Last evaluated: 2025-12-23. Review status: criteria provided, single submitter. Criteria: Ambry Variant Classification Scheme 2023. Collection method: clinical testing. Allele origin: germline.

Labcorp Genetics (formerly Invitae), Labcorp
Classification: Benign for Tuberous sclerosis 2. Last evaluated: 2025-08-11. Review status: criteria provided, single submitter. Criteria: Invitae Variant Classification Sherloc (09022015). Collection method: clinical testing. Allele origin: germline.

GeneDx
Classification: Uncertain significance. Last evaluated: 2023-06-12. Review status: criteria provided, single submitter. Criteria: GeneDx Variant Classification Process June 2021. Collection method: clinical testing. Allele origin: germline. Affected: yes.
Comment: Not observed at significant frequency in large population cohorts (gnomAD); In silico analysis supports that this missense variant has a deleterious effect on protein structure/function; Has not been previously published as pathogenic or benign to our knowledge

Fulgent Genetics
Classification: Uncertain significance for Lymphangiomyomatosis; Isolated focal cortical dysplasia type II; Tuberous sclerosis 2. Last evaluated: 2022-01-14. Review status: criteria provided, single submitter. Criteria: ACMG Guidelines, 2015. Collection method: clinical testing. Allele origin: unknown.

NM_000548.5(TSC2):c.1753C>G (p.Arg585Gly)

Gene: TSC2 (TSC complex subunit 2; plus strand). Cytogenetic location: 16p13.3.
Variant type: single nucleotide variant.
Coding change: c.1753C>G on transcript NM_000548.5 (MANE Select); coding-DNA position 1753, C replaced by G.
Protein change: p.Arg585Gly; replaces arginine 585 with glycine.
Molecular consequence: missense variant.
Genome position (GRCh38, 1-based): chr16:2,070,492, C>G. VCF-style: chr16-2070492-C-G. GRCh37 (hg19) VCF-style: chr16-2120493-C-G.
Other names: c.1753C>G, p.Arg585Gly (NM_001077183.3, NM_001114382.3, NM_001363528.2 and 3 more transcripts); c.1642C>G, p.Arg548Gly (NM_001318827.2); c.1606C>G, p.Arg536Gly (NM_001318829.2); c.1153C>G, p.Arg385Gly (NM_001318831.2); c.1786C>G, p.Arg596Gly (NM_001318832.2); short protein forms R385G, R548G, R585G, R596G, R536G.
Identifiers: ClinVar variation 855124 (VCV000855124.16), dbSNP rs370324876, ClinGen allele CA394272814.